The following is an entry in ClinVar:

ClinVar aggregate classification (germline): Pathogenic (1 of 4 stars; one submission).

Conditions:
Developmental delay, impaired speech, and behavioral abnormalities, with or without seizures (DEDISB). Identifiers: MedGen C5575272, MONDO:0859263, OMIM 619964.

Submission:

Laboratoire Génétique Moléculaire, CHRU TOURS
Classification: Pathogenic for Developmental delay, impaired speech, and behavioral abnormalities, with or without seizures. Last evaluated: 2024-11-12. Review status: criteria provided, single submitter. Criteria: ACMG Guidelines, 2015. Collection method: clinical testing. Allele origin: paternal. Affected: yes.
Comment: PVS1;PM2;PP4;PP5

NM_006421.5(ARFGEF1):c.2451_2452del (p.Phe818fs)

Gene: ARFGEF1 (ARF guanine nucleotide exchange factor 1; minus strand). Cytogenetic location: 8q13.2.
Variant type: Microsatellite.
Coding change: c.2451_2452del on transcript NM_006421.5 (MANE Select); coding-DNA positions 2451 to 2452, 2 bases deleted (CT; older notation c.2451_2452delCT).
Protein change: p.Phe818fs; shifts the reading frame from phenylalanine 818.
Molecular consequence: frameshift variant. On other transcripts: non-coding transcript variant (1).
Genome position (GRCh38, 1-based): chr8:67,257,806-67,257,807, AG deleted on the plus strand (CT on the coding strand, the reverse complement: ARFGEF1 is on the minus strand); deleting any 2 consecutive bases within chr8:67,257,806-67,257,811 gives the same sequence; the c. name uses the placement nearest the transcript's 3' end. VCF-style (leftmost placement, unchanged base first): chr8-67257805-AAG-A. GRCh37 (hg19) VCF-style: chr8-68170040-AAG-A.
Other names: c.2451_2452del, p.Phe818fs (NM_001413184.1, NM_001413185.1, NM_001413186.1 and 7 more transcripts); c.1851_1852del, p.Phe618fs (NM_001413188.1, NM_001413193.1, NM_001413197.1); c.1026_1027del, p.Phe343fs (NM_001413196.1); short protein forms F343fs, F818fs, F618fs.
Identifiers: ClinVar variation 4294388 (VCV004294388.1).
Genomic context (GRCh38, chr8:67,257,805, plus strand): 5'-AGGTCTGTGGTCAACATGATAATTGAATAAGCCAAAACATAAGCTGTATCCGCACTAGCA[AAG>A]AGAGTTTGTCTGGAAAAATAAATGTATCATGTTATAAACTTCTACTGTTTTATATAGTTT-3'